The following is an entry in ClinVar:

NM_001374353.1(GLI2):c.172T>C (p.Phe58Leu)

Gene: GLI2 (GLI family zinc finger 2; plus strand). Cytogenetic location: 2q14.2.
Variant type: single nucleotide variant.
Coding change: c.172T>C on transcript NM_001374353.1 (MANE Select); coding-DNA position 172, T replaced by C.
Protein change: p.Phe58Leu; replaces phenylalanine 58 with leucine.
Molecular consequence: missense variant. On other transcripts: intron variant (1).
Genome position (GRCh38, 1-based): chr2:120,927,384, T>C. VCF-style: chr2-120927384-T-C. GRCh37 (hg19) VCF-style: chr2-121684960-T-C.
Other names: c.172T>C, p.Phe58Leu (NM_001371271.1, NM_005270.5); c.-121-23859T>C (NM_001374354.1); short protein forms F58L.
Identifiers: ClinVar variation 4282205 (VCV004282205.1).
Genomic context (GRCh38, chr2:120,927,384, plus strand): 5'-AGTTTTTGAAGTCTTGTTTCTCTCTCCCCCTCTGCAGTGCCGCAGCATCTCTTGCCACCA[T>C]TCCATGCGCCCCTACCGATTGACATGCGACACCAGGAAGGAAGGTACCATTACGAGCCTC-3'
Protein context (NP_001361282.1, residues 48-68): QGVPQHLLPP[Phe58Leu]HAPLPIDMRH

ClinVar aggregate classification (germline): Uncertain significance (1 of 4 stars; one submission).

Submission:

GeneDx
Classification: Uncertain significance. Last evaluated: 2025-04-12. Review status: criteria provided, single submitter. Criteria: GeneDx Variant Classification Process June 2021. Collection method: clinical testing. Allele origin: germline. Affected: yes.
Comment: Not observed at significant frequency in large population cohorts (gnomAD); In silico analysis supports that this missense variant has a deleterious effect on protein structure/function; Has not been previously published as pathogenic or benign to our knowledge